The following is an entry in ClinVar:

NM_001379500.1(COL18A1):c.352A>C (p.Met118Leu)

Gene: COL18A1 (collagen type XVIII alpha 1 chain; plus strand). Cytogenetic location: 21q22.3.
Variant type: single nucleotide variant.
Coding change: c.352A>C on transcript NM_001379500.1 (MANE Select); coding-DNA position 352, A replaced by C.
Protein change: p.Met118Leu; replaces methionine 118 with leucine.
Molecular consequence: missense variant.
Genome position (GRCh38, 1-based): chr21:45,468,487, A>C. VCF-style: chr21-45468487-A-C. GRCh37 (hg19) VCF-style: chr21-46888401-A-C.
Other names: NM_130445.2:c.352A>C; c.892A>C, p.Met298Leu (NM_030582.4); c.1597A>C, p.Met533Leu (NM_130444.3); short protein forms M118L, M298L, M533L.
Identifiers: ClinVar variation 1186204 (VCV001186204.15), dbSNP rs200702024, ClinGen allele CA10065729.

ClinVar aggregate classification (germline): Conflicting classifications of pathogenicity. Review status: criteria provided, conflicting classifications (1 of 4 stars). 6 submissions from 6 submitters: Uncertain significance (5); Likely benign (1). Last evaluated 2026-06-29.

Conditions:
COL18A1-related disorder. Also called: COL18A1-related disorders; COL18A1-related condition.
Inborn genetic diseases. Identifiers: MedGen C0950123, MeSH D030342.

Allele frequency attached by ClinVar (database versions not stated): 1000 Genomes Project 30x 0.00016; ESP Exome Variant Server 0.00039; 1000 Genomes Project 0.00040.

Submissions (6):

PreventionGenetics, part of Exact Sciences
Classification: Uncertain significance for COL18A1-related condition. Last evaluated: 2026-06-29. Review status: criteria provided, single submitter. Criteria: ACMG Guidelines, 2015. Collection method: clinical testing. Allele origin: germline.
Comment: The COL18A1 c.892A>C variant is predicted to result in the amino acid substitution p.Met298Leu. This was previously reported in one individual with retinal disease (reported as p.Met118Leu in supplementary data, Dineiro et al. 2020. PubMed ID: 32483926). This variant is reported in 0.043% of alleles in individuals of European (Non-Finnish) descent in gnomAD. At this time, the clinical significance of this variant is uncertain due to the absence of conclusive functional and genetic evidence.

Labcorp Genetics (formerly Invitae), Labcorp
Classification: Uncertain significance. Last evaluated: 2026-01-19. Review status: criteria provided, single submitter. Criteria: Invitae Variant Classification Sherloc (09022015). Collection method: clinical testing. Allele origin: germline.
Comment: This sequence change replaces methionine, which is neutral and non-polar, with leucine, which is neutral and non-polar, at codon 118 of the COL18A1 protein (p.Met118Leu). This variant is present in population databases (rs200702024, gnomAD 0.04%). This variant has not been reported in the literature in individuals affected with COL18A1-related conditions. ClinVar contains an entry for this variant (Variation ID: 1186204). Experimental studies and prediction algorithms are not available or were not evaluated, and the functional significance of this variant is currently unknown. In summary, the available evidence is currently insufficient to determine the role of this variant in disease. Therefore, it has been classified as a Variant of Uncertain Significance.

Blueprint Genetics
Classification: Likely benign. Last evaluated: 2024-10-11. Review status: criteria provided, single submitter. Criteria: ACMG Guidelines, 2015. Collection method: clinical testing. Allele origin: germline.

GeneDx
Classification: Uncertain significance. Last evaluated: 2022-03-31. Review status: criteria provided, single submitter. Criteria: GeneDx Variant Classification Process June 2021. Collection method: clinical testing. Allele origin: germline. Affected: yes.
Comment: In silico analysis, which includes protein predictors and evolutionary conservation, supports that this variant does not alter protein structure/function; Has not been previously published as pathogenic or benign to our knowledge

Ambry Genetics
Classification: Uncertain significance for Inborn genetic diseases. Last evaluated: 2021-11-05. Review status: criteria provided, single submitter. Criteria: Ambry Variant Classification Scheme 2023. Collection method: clinical testing. Allele origin: germline.

Genetic Services Laboratory, University of Chicago
Classification: Uncertain significance. Last evaluated: 2019-01-18. Review status: criteria provided, single submitter. Criteria: ACMG Guidelines, 2015. Collection method: clinical testing. Allele origin: germline. Affected: no.